The following is an entry in ClinVar:

NM_015122.3(FCHO1):c.857C>T (p.Ala286Val)

Gene: FCHO1 (FCH and mu domain containing endocytic adaptor 1; plus strand). Cytogenetic location: 19p13.11.
Variant type: single nucleotide variant.
Coding change: c.857C>T on transcript NM_015122.3 (MANE Select); coding-DNA position 857, C replaced by T.
Protein change: p.Ala286Val; replaces alanine 286 with valine.
Molecular consequence: missense variant. On other transcripts: non-coding transcript variant (36).
Genome position (GRCh38, 1-based): chr19:17,774,415, C>T. VCF-style: chr19-17774415-C-T. GRCh37 (hg19) VCF-style: chr19-17885224-C-T.
Other names: c.857C>T, p.Ala286Val (NM_001161357.2, NM_001161358.2, NM_001384370.1 and 25 more transcripts); c.707C>T, p.Ala236Val (NM_001161359.2, NM_001384384.1, NM_001384385.1 and 3 more transcripts); c.818C>T, p.Ala273Val (NM_001384388.1, NM_001384389.1, NM_001384405.1); c.782C>T, p.Ala261Val (NM_001384390.1); c.812C>T, p.Ala271Val (NM_001384403.1); short protein forms A273V, A286V, A261V, A271V, A236V.
Identifiers: ClinVar variation 2186384 (VCV002186384.2), dbSNP rs202022558, ClinGen allele CA9300275.

ClinVar aggregate classification (germline): Uncertain significance (1 of 4 stars; one submission).

Allele frequency attached by ClinVar (database versions not stated): gnomAD 0.00008; TOPMed 0.00008; ExAC 0.00013; 1000 Genomes Project 30x 0.00016; gnomAD exomes 0.00016; 1000 Genomes Project 0.00020.
gnomAD v4.1: 231 of 1,614,002 alleles (0.014%); highest among the groups gnomAD compares: East Asian, 0.51%; 2 homozygotes.

Submission:

Labcorp Genetics (formerly Invitae), Labcorp
Classification: Uncertain significance. Last evaluated: 2026-01-24. Review status: criteria provided, single submitter. Criteria: Invitae Variant Classification Sherloc (09022015). Collection method: clinical testing. Allele origin: germline.
Comment: This sequence change replaces alanine, which is neutral and non-polar, with valine, which is neutral and non-polar, at codon 286 of the FCHO1 protein (p.Ala286Val). This variant is present in population databases (rs202022558, gnomAD 0.1%). This variant has not been reported in the literature in individuals affected with FCHO1-related conditions. ClinVar contains an entry for this variant (Variation ID: 2186384). An algorithm developed to predict the effect of missense changes on protein structure and function (PolyPhen-2) suggests that this variant is likely to be tolerated. In summary, the available evidence is currently insufficient to determine the role of this variant in disease. Therefore, it has been classified as a Variant of Uncertain Significance.